The following is an entry in ClinVar:

NM_173630.4(RTTN):c.5991T>C (p.Pro1997=)

Gene: RTTN (rotatin; minus strand). Cytogenetic location: 18q22.2.
Variant type: single nucleotide variant.
Coding change: c.5991T>C on transcript NM_173630.4 (MANE Select); coding-DNA position 5991, T replaced by C.
Protein change: p.Pro1997=; no amino-acid change (proline 1997 retained).
Molecular consequence: synonymous variant.
Genome position (GRCh38, 1-based): chr18:70,020,777, A>G on the plus strand (T>C on the coding strand, the complement: RTTN is on the minus strand). VCF-style: chr18-70020777-A-G. GRCh37 (hg19) VCF-style: chr18-67688013-A-G.
Other names: c.3255T>C, p.Pro1085= (NM_001318520.2).
Identifiers: ClinVar variation 130189 (VCV000130189.39), dbSNP rs34749812, ClinGen allele CA155020.
Genomic context (GRCh38, chr18:70,020,777, plus strand): 5'-CAACTTTAGGATACACAGCATCAGAGAGTTGCTCACGGCTCCTCTATGTGTAGCTTGAAC[A>G]GGGTGTTGTCCACAACTTGACCAACAAAGAGAACTGCAACCTTCAAAAATAACAGCCTAT-3'
Protein context (NP_775901.3, residues 1987-2007): SLCWSSCGQH[Pro1997=]VQATHRGAVS

ClinVar aggregate classification (germline): Benign. Review status: criteria provided, multiple submitters, no conflicts (2 of 4 stars). 5 submissions from 5 submitters: Benign (3). 2 of the submissions do not count toward it. Last evaluated 2026-02-01.

Conditions:
RTTN-related disorder. Also called: RTTN-related condition.

Allele frequency attached by ClinVar (database versions not stated): gnomAD exomes 0.00041 and 0.00115; ExAC 0.00139; 1000 Genomes Project 30x 0.00390; gnomAD 0.00412 and 0.00449; 1000 Genomes Project 0.00439; TOPMed 0.00491; ESP Exome Variant Server 0.00506.
gnomAD v4.1: 1,253 of 1,613,916 alleles (0.078%); highest among the groups gnomAD compares: African/African-American, 1.4%; 9 homozygotes.

Submissions (5):

Labcorp Genetics (formerly Invitae), Labcorp
Classification: Benign. Last evaluated: 2026-02-01. Review status: criteria provided, single submitter. Criteria: Invitae Variant Classification Sherloc (09022015). Collection method: clinical testing. Allele origin: germline.

CeGaT Center for Human Genetics Tuebingen
Classification: Benign. Last evaluated: 2024-04-01. Review status: criteria provided, single submitter. Criteria: CeGaT Center For Human Genetics Tuebingen Variant Classification Criteria Version 2. Collection method: clinical testing. Allele origin: germline. Affected: yes. Observed: 2 variant alleles.
Comment: RTTN: BP4, BP7, BS1, BS2

GeneDx
Classification: Benign. Last evaluated: 2016-10-06. Review status: criteria provided, single submitter. Criteria: GeneDx Variant Classification (06012015). Collection method: clinical testing. Allele origin: germline. Affected: yes.
Comment: This variant is considered likely benign or benign based on one or more of the following criteria: it is a conservative change, it occurs at a poorly conserved position in the protein, it is predicted to be benign by multiple in silico algorithms, and/or has population frequency not consistent with disease.

PreventionGenetics, part of Exact Sciences
Classification: Benign for RTTN-related condition. Last evaluated: 2019-07-18. Review status: no assertion criteria provided. Collection method: clinical testing. Allele origin: germline. Not counted in ClinVar's aggregate classification.
Comment: This variant is classified as benign based on ACMG/AMP sequence variant interpretation guidelines (Richards et al. 2015 PMID: 25741868, with internal and published modifications).

Genetic Services Laboratory, University of Chicago
Classification: Likely benign for AllHighlyPenetrant. Review status: no assertion criteria provided. Collection method: clinical testing. Allele origin: germline. Inheritance: Autosomal recessive inheritance. Not counted in ClinVar's aggregate classification.
Comment: Likely benign based on allele frequency in 1000 Genomes Project or ESP global frequency and its presence in a patient with a rare or unrelated disease phenotype. NOT Sanger confirmed.